The following is an entry in ClinVar:

ClinVar aggregate classification (germline): Likely benign. Review status: criteria provided, multiple submitters, no conflicts (2 of 4 stars). 2 submissions from 2 submitters: Likely benign (2). Last evaluated 2025-08-31.

Conditions:
LAMB2-related disorder. Also called: LAMB2-related condition.
LAMB2-related infantile-onset nephrotic syndrome. Also called: NEPHROTIC SYNDROME, TYPE 5, WITHOUT OCULAR ABNORMALITIES; NEPHROTIC SYNDROME, TYPE 5, WITH OCULAR ABNORMALITIES; Nephrotic Syndrome, type 5. Identifiers: Orphanet 306507, MedGen C3280113, MONDO:0013621, OMIM 614199.
Pierson syndrome. Also called: MICROCORIA-CONGENITAL NEPHROTIC SYNDROME. Identifiers: Orphanet 2670, MedGen C1836876, MONDO:0012184, OMIM 609049.

Allele frequency attached by ClinVar (database versions not stated): gnomAD 0.00001; gnomAD exomes 0.00002.

Submissions (2):

PreventionGenetics, part of Exact Sciences
Classification: Likely benign for LAMB2-related condition. Last evaluated: 2025-08-31. Review status: criteria provided, single submitter. Criteria: ACMG Guidelines, 2015. Collection method: clinical testing. Allele origin: germline.
Comment: This variant is classified as likely benign based on ACMG/AMP sequence variant interpretation guidelines (Richards et al. 2015 PMID: 25741868, with internal and published modifications).

Labcorp Genetics (formerly Invitae), Labcorp
Classification: Likely benign for LAMB2-related infantile-onset nephrotic syndrome; Pierson syndrome. Last evaluated: 2022-03-02. Review status: criteria provided, single submitter. Criteria: Invitae Variant Classification Sherloc (09022015). Collection method: clinical testing. Allele origin: germline.

NM_002292.4(LAMB2):c.4781+8C>T

Gene: LAMB2 (laminin subunit beta 2; minus strand). Cytogenetic location: 3p21.31.
Variant type: single nucleotide variant.
Coding change: c.4781+8C>T on transcript NM_002292.4 (MANE Select); 8 bases into the intron after coding-DNA position 4781, C replaced by T.
Molecular consequence: intron variant.
Genome position (GRCh38, 1-based): chr3:49,122,155, G>A on the plus strand (C>T on the coding strand, the complement: LAMB2 is on the minus strand). VCF-style: chr3-49122155-G-A. GRCh37 (hg19) VCF-style: chr3-49159588-G-A.
Other names: c.4781+8C>T (NM_002292.3).
Identifiers: ClinVar variation 1637633 (VCV001637633.9), dbSNP rs1287875231, ClinGen allele CA543048555.